The following is an entry in ClinVar:

ClinVar aggregate classification (germline): Likely pathogenic (1 of 4 stars; one submission).

Submission:

Center for Genomic Medicine, Rigshospitalet, Copenhagen University Hospital
Classification: Likely pathogenic. Last evaluated: 2025-12-29. Review status: criteria provided, single submitter. Criteria: ACMG Guidelines, 2015. Collection method: clinical testing. Allele origin: germline.
Comment: Classification criteria: PVS1, PM2

NM_001370259.2(MEN1):c.930del (p.Thr311fs)

Gene: MEN1 (menin 1; minus strand). Cytogenetic location: 11q13.1.
Variant type: Deletion.
Coding change: c.930del on transcript NM_001370259.2 (MANE Select); coding-DNA position 930, one base deleted (G; older notation c.930delG).
Protein change: p.Thr311fs; shifts the reading frame from threonine 311.
Molecular consequence: frameshift variant. On other transcripts: non-coding transcript variant (4).
Genome position (GRCh38, 1-based): chr11:64,806,351, C deleted on the plus strand (G on the coding strand, the reverse complement: MEN1 is on the minus strand). VCF-style (leftmost placement, unchanged base first): chr11-64806350-TC-T. GRCh37 (hg19) VCF-style: chr11-64573822-TC-T.
Other names: c.945del, p.Thr316fs (NM_001407145.1, NM_001407150.1, NM_000244.4 and 5 more transcripts); c.930del, p.Thr311fs (NM_001407146.1, NM_001407147.1, NM_001407152.1 and 7 more transcripts); c.825del, p.Thr276fs (NM_001407148.1, NM_001407149.1, NM_001407151.1 and 2 more transcripts); short protein forms T276fs, T311fs, T316fs.
Identifiers: ClinVar variation 4539282 (VCV004539282.1).